The following is an entry in ClinVar:

ClinVar aggregate classification (germline): Uncertain significance. Review status: reviewed by expert panel (3 of 4 stars). 4 submissions from 4 submitters: Uncertain significance (1). 3 of the submissions do not count toward it. Last evaluated 2025-01-15.

Conditions:
Acute myeloid leukemia (AML). Also called: Acute myeloid leukemia, adult; AML adult; Acute non-lymphocytic leukemia; Acute granulocytic leukemia; Leukemia, acute myelogenous, somatic; Leukemia, acute myeloid, somatic. Identifiers: Orphanet 519, MedGen C0023467, MeSH D015470, MONDO:0018874, OMIM 601626, HP:0004808. Disease mechanism: Constitutively activated FLT3.
Inborn genetic diseases. Identifiers: MedGen C0950123, MeSH D030342.
Hereditary thrombocytopenia and hematologic cancer predisposition syndrome. Identifiers: Orphanet 71290, MedGen CN281654, MONDO:0011071.
Hereditary thrombocytopenia and hematological cancer predisposition syndrome associated with RUNX1. Also called: Familial Platelet Disorder with Propensity to Acute Myelogenous Leukemia; Familial thrombocytopenia with propensity to acute myelogenous leukemia; PLATELET DISORDER, ASPIRIN-LIKE; RUNX1 Familial Platelet Disorder with Associated Myeloid Malignancies. Identifiers: Orphanet 71290, MedGen C1832388, MeSH C563324, MONDO:0100083, OMIM 601399.

Submissions (4):

ClinGen Myeloid Malignancy Variant Curation Expert Panel
Classification: Uncertain significance for Hereditary thrombocytopenia and hematologic cancer predisposition syndrome. Last evaluated: 2025-01-15. Review status: reviewed by expert panel. Criteria: ClinGen MyeloMalig ACMG Specifications v2. Collection method: curation. Allele origin: germline. Inheritance: Autosomal dominant inheritance.
Comment: NM_001754.5(RUNX1):c.1318G>A (p.Ala440Thr) is a missense variant which has a REVEL score < 0.50 (0.058), and a SpliceAI score ≤ 0.20 (0.0) (BP4). This variant is completely absent from all population databases with at least 20x coverage for RUNX1 (PM2_Supporting). In summary, the clinical significance of this variant is uncertain. ACMG/AMP criteria applied, as specified by the Myeloid Malignancy Variant Curation Expert Panel for RUNX1: BP4, PM2_supporting.

Ambry Genetics
Classification: Uncertain significance for Inborn genetic diseases. Last evaluated: 2026-05-27. Review status: criteria provided, single submitter. Criteria: Ambry Variant Classification Scheme 2023. Collection method: clinical testing. Allele origin: germline. Not counted in ClinVar's aggregate classification.
Comment: The p.A440T variant (also known as c.1318G>A), located in coding exon 8 of the RUNX1 gene, results from a G to A substitution at nucleotide position 1318. The alanine at codon 440 is replaced by threonine, an amino acid with similar properties. This amino acid position is conserved. In addition, this alteration is predicted to be tolerated by in silico analysis. Based on the available evidence, the clinical significance of this variant remains unclear.

Labcorp Genetics (formerly Invitae), Labcorp
Classification: Uncertain significance for Hereditary thrombocytopenia and hematological cancer predisposition syndrome associated with RUNX1. Last evaluated: 2024-10-10. Review status: criteria provided, single submitter. Criteria: Invitae Variant Classification Sherloc (09022015). Collection method: clinical testing. Allele origin: germline. Not counted in ClinVar's aggregate classification.
Comment: This sequence change replaces alanine, which is neutral and non-polar, with threonine, which is neutral and polar, at codon 440 of the RUNX1 protein (p.Ala440Thr). This variant is not present in population databases (gnomAD no frequency). This variant has not been reported in the literature in individuals affected with RUNX1-related conditions. An algorithm developed to predict the effect of missense changes on protein structure and function outputs the following: PolyPhen-2: "Benign". The threonine amino acid residue is found in multiple mammalian species, which suggests that this missense change does not adversely affect protein function. In summary, the available evidence is currently insufficient to determine the role of this variant in disease. Therefore, it has been classified as a Variant of Uncertain Significance.

Baylor Genetics
Classification: Uncertain significance for Acute myeloid leukemia. Last evaluated: 2023-07-03. Review status: criteria provided, single submitter. Criteria: ACMG Guidelines, 2015. Collection method: clinical testing. Allele origin: unknown. Not counted in ClinVar's aggregate classification.

NM_001754.5(RUNX1):c.1318G>A (p.Ala440Thr)

Gene: RUNX1 (RUNX family transcription factor 1; minus strand). Cytogenetic location: 21q22.12.
Variant type: single nucleotide variant.
Coding change: c.1318G>A on transcript NM_001754.5 (MANE Select); coding-DNA position 1318, G replaced by A.
Protein change: p.Ala440Thr; replaces alanine 440 with threonine.
Molecular consequence: missense variant.
Genome position (GRCh38, 1-based): chr21:34,792,260, C>T on the plus strand (G>A on the coding strand, the complement: RUNX1 is on the minus strand). VCF-style: chr21-34792260-C-T. GRCh37 (hg19) VCF-style: chr21-36164557-C-T.
Other names: NM_001754.5(RUNX1):c.1318G>A; p.Ala440Thr; c.1237G>A, p.Ala413Thr (NM_001001890.3); short protein forms A413T, A440T.
Identifiers: ClinVar variation 2678497 (VCV002678497.5), dbSNP rs2145873417, ClinGen allele CA410147389.